The following is an entry in ClinVar:

ClinVar aggregate classification (germline): Uncertain significance. Review status: criteria provided, single submitter (1 of 4 stars). 2 submissions from 2 submitters: Uncertain significance (1). 1 of the submissions does not count toward it. Last evaluated 2022-08-06.

Conditions:
Charcot-Marie-Tooth disease type 4. Also called: Charcot-Marie-Tooth disease, type IV; Charcot-Marie-Tooth, Type 4. Identifiers: Orphanet 64749, MedGen C4082197, MONDO:0018995.
Charcot-Marie-Tooth disease. Also called: Charcot-Marie-Tooth Neuropathy; Charcot-Marie-Tooth Hereditary Neuropathy. Identifiers: Orphanet 166, MedGen C0007959, MONDO:0015626.

Allele frequency attached by ClinVar (database versions not stated): gnomAD 0.00001 and 0.00002; ExAC 0.00002; gnomAD exomes 0.00002; TOPMed 0.00005.
gnomAD v4.1: 20 of 1,612,528 alleles (0.0012%); highest among the groups gnomAD compares: East Asian, 0.011%; no homozygotes.

Submissions (2):

Labcorp Genetics (formerly Invitae), Labcorp
Classification: Uncertain significance for Charcot-Marie-Tooth disease type 4. Last evaluated: 2022-08-06. Review status: criteria provided, single submitter. Criteria: Invitae Variant Classification Sherloc (09022015). Collection method: clinical testing. Allele origin: germline.
Comment: In summary, the available evidence is currently insufficient to determine the role of this variant in disease. Therefore, it has been classified as a Variant of Uncertain Significance. This sequence change affects codon 215 of the FIG4 mRNA. It is a 'silent' change, meaning that it does not change the encoded amino acid sequence of the FIG4 protein. It affects a nucleotide within the consensus splice site. This variant is present in population databases (rs751619327, gnomAD 0.01%). This variant has not been reported in the literature in individuals affected with FIG4-related conditions. ClinVar contains an entry for this variant (Variation ID: 694982). Algorithms developed to predict the effect of sequence changes on RNA splicing suggest that this variant is not likely to affect RNA splicing.

Genesis Genome Database
Classification: Uncertain significance for Charcot-Marie-Tooth disease. Last evaluated: 2019-08-14. Review status: no assertion criteria provided. Collection method: research. Allele origin: germline. Affected: yes. Not counted in ClinVar's aggregate classification.

NM_014845.6(FIG4):c.645C>T (p.Ser215=)

Gene: FIG4 (FIG4 phosphoinositide 5-phosphatase; plus strand). Cytogenetic location: 6q21.
Variant type: single nucleotide variant.
Coding change: c.645C>T on transcript NM_014845.6 (MANE Select); coding-DNA position 645, C replaced by T.
Protein change: p.Ser215=; no amino-acid change (serine 215 retained).
Molecular consequence: synonymous variant.
Genome position (GRCh38, 1-based): chr6:109,735,297, C>T. VCF-style: chr6-109735297-C-T. GRCh37 (hg19) VCF-style: chr6-110056500-C-T.
Identifiers: ClinVar variation 694982 (VCV000694982.8), dbSNP rs751619327, ClinGen allele CA3955854.